The following is an entry in ClinVar:

NM_177438.3(DICER1):c.242T>A (p.Leu81Gln)

Gene: DICER1 (dicer 1, ribonuclease III; minus strand). Cytogenetic location: 14q32.13.
Variant type: single nucleotide variant.
Coding change: c.242T>A on transcript NM_177438.3 (MANE Select); coding-DNA position 242, T replaced by A.
Protein change: p.Leu81Gln; replaces leucine 81 with glutamine.
Molecular consequence: missense variant.
Genome position (GRCh38, 1-based): chr14:95,132,580, A>T on the plus strand (T>A on the coding strand, the complement: DICER1 is on the minus strand). VCF-style: chr14-95132580-A-T. GRCh37 (hg19) VCF-style: chr14-95598917-A-T.
Other names: c.242T>A, p.Leu81Gln (NM_001195573.1, NM_001271282.3, NM_001291628.2 and 1 more transcripts); short protein forms L81Q.
Identifiers: ClinVar variation 850440 (VCV000850440.11), dbSNP rs1894044221, ClinGen allele CA390889854.

ClinVar aggregate classification (germline): Uncertain significance (1 of 4 stars; one submission).

Conditions:
DICER1-related tumor predisposition. Also called: DICER1 syndrome; DICER1-related pleuropulmonary blastoma cancer predisposition syndrome. Identifiers: Orphanet 284343, MedGen C3839822, MONDO:0100216.

Submission:

Labcorp Genetics (formerly Invitae), Labcorp
Classification: Uncertain significance for DICER1-related tumor predisposition. Last evaluated: 2022-06-20. Review status: criteria provided, single submitter. Criteria: Invitae Variant Classification Sherloc (09022015). Collection method: clinical testing. Allele origin: germline.
Comment: In summary, the available evidence is currently insufficient to determine the role of this variant in disease. Therefore, it has been classified as a Variant of Uncertain Significance. Algorithms developed to predict the effect of missense changes on protein structure and function (SIFT, PolyPhen-2, Align-GVGD) all suggest that this variant is likely to be disruptive. ClinVar contains an entry for this variant (Variation ID: 850440). This variant has not been reported in the literature in individuals affected with DICER1-related conditions. This variant is not present in population databases (gnomAD no frequency). This sequence change replaces leucine, which is neutral and non-polar, with glutamine, which is neutral and polar, at codon 81 of the DICER1 protein (p.Leu81Gln).